The following is an entry in ClinVar:

NC_000022.10:g.(?_17662373)_(17663671_?)dup

Gene: ADA2 (adenosine deaminase 2; minus strand). Cytogenetic location: 22q11.1.
Variant type: Duplication.
Identifiers: ClinVar variation 3248029 (VCV003248029.1).

ClinVar aggregate classification (germline): Uncertain significance (1 of 4 stars; one submission).

Conditions:
Deficiency of adenosine deaminase 2. Also called: Adenosine Deaminase 2 Deficiency; VASCULITIS, AUTOINFLAMMATION, IMMUNODEFICIENCY, AND HEMATOLOGIC DEFECTS SYNDROME; Polyarteritis nodosa, childhoood-onset. Identifiers: Orphanet 404553, MedGen C3887654, MONDO:0014306, OMIM 615688, MONDO:0100317.

Submission:

Labcorp Genetics (formerly Invitae), Labcorp
Classification: Uncertain significance for Deficiency of adenosine deaminase 2. Last evaluated: 2023-12-28. Review status: criteria provided, single submitter. Criteria: Invitae Variant Classification Sherloc (09022015). Collection method: clinical testing. Allele origin: unknown.
Comment: This variant results in a copy number gain of the genomic region encompassing exon(s) 8-10 of the ADA2 gene. This region includes the termination codon of the gene. This copy number gain extends beyond the assayed region for this gene and therefore may encompass additional genes. As the precise location of this event is unknown, it may be in tandem or it may be located elsewhere in the genome. This variant has not been reported in the literature in individuals affected with ADA2-related conditions. In summary, the available evidence is currently insufficient to determine the role of this variant in disease. Therefore, it has been classified as a Variant of Uncertain Significance.